The following is an entry in ClinVar:

NM_018714.3(COG1):c.2709A>G (p.Pro903=)

Gene: COG1 (component of oligomeric golgi complex 1; plus strand). Cytogenetic location: 17q25.1.
Variant type: single nucleotide variant.
Coding change: c.2709A>G on transcript NM_018714.3 (MANE Select); coding-DNA position 2709, A replaced by G.
Protein change: p.Pro903=; no amino-acid change (proline 903 retained).
Molecular consequence: synonymous variant.
Genome position (GRCh38, 1-based): chr17:73,206,797, A>G. VCF-style: chr17-73206797-A-G. GRCh37 (hg19) VCF-style: chr17-71202936-A-G.
Identifiers: ClinVar variation 3046114 (VCV003046114.3), dbSNP rs759405408, ClinGen allele CA8740582.

ClinVar aggregate classification (germline): Likely benign. Review status: criteria provided, single submitter (1 of 4 stars). 2 submissions from 2 submitters: Likely benign (1). 1 of the submissions does not count toward it. Last evaluated 2025-03-12.

Conditions:
COG1-related disorder. Also called: COG1-related condition.
COG1 congenital disorder of glycosylation (CDG2G). Also called: CONGENITAL DISORDER OF GLYCOSYLATION, TYPE IIg; CDG IIg; CDGII/COG1 CEREBROCOSTOMANDIBULAR-LIKE SYNDROME. Identifiers: Orphanet 263508, MedGen C2931011, MONDO:0012637, OMIM 611209.

Allele frequency attached by ClinVar (database versions not stated): gnomAD exomes 0.00001; ExAC 0.00002; gnomAD 0.00002; TOPMed 0.00002.
gnomAD v4.1: 18 of 1,613,660 alleles (0.0011%); highest among the groups gnomAD compares: Non-Finnish European, 0.0015%; no homozygotes.

Submissions (2):

Labcorp Genetics (formerly Invitae), Labcorp
Classification: Likely benign for COG1 congenital disorder of glycosylation. Last evaluated: 2025-03-12. Review status: criteria provided, single submitter. Criteria: Invitae Variant Classification Sherloc (09022015). Collection method: clinical testing. Allele origin: germline.

PreventionGenetics, part of Exact Sciences
Classification: Likely benign for COG1-related condition. Last evaluated: 2019-11-12. Review status: no assertion criteria provided. Collection method: clinical testing. Allele origin: germline. Not counted in ClinVar's aggregate classification.
Comment: This variant is classified as likely benign based on ACMG/AMP sequence variant interpretation guidelines (Richards et al. 2015 PMID: 25741868, with internal and published modifications).